The following is an entry in ClinVar:

ClinVar aggregate classification (germline): Pathogenic. Review status: reviewed by expert panel (3 of 4 stars). 2 submissions from 2 submitters: Pathogenic (1). 1 of the submissions does not count toward it. Last evaluated 2016-09-08.

Conditions:
Hereditary breast ovarian cancer syndrome. Also called: Breast and ovarian cancer; Hereditary breast and ovarian cancer; Hereditary breast and ovarian cancer syndrome; Hereditary breast and/or ovarian cancer syndrome; BRCA1- and BRCA2-Associated Hereditary Breast and Ovarian Cancer; Hereditary breast and ovarian cancer syndrome (HBOC). Identifiers: Orphanet 145, MedGen C0677776, MeSH D061325, MONDO:0003582. Disease mechanism: loss of function.
Breast-ovarian cancer, familial, susceptibility to, 1 (BROVCA1). Also called: BRCA1 Hereditary Breast and Ovarian Cancer; OVARIAN CANCER, SUSCEPTIBILITY TO. Identifiers: Orphanet 145, MedGen C2676676, MONDO:0011450, OMIM 604370. Disease mechanism: loss of function.

Submissions (2):

Evidence-based Network for the Interpretation of Germline Mutant Alleles (ENIGMA)
Classification: Pathogenic for Breast-ovarian cancer, familial, susceptibility to, 1. Last evaluated: 2016-09-08. Review status: reviewed by expert panel. Criteria: ENIGMA BRCA1/2 Classification Criteria (2015). Collection method: curation. Allele origin: germline.
Comment: Variant allele predicted to encode a truncated non-functional protein.

Labcorp Genetics (formerly Invitae), Labcorp
Classification: Pathogenic for Hereditary breast ovarian cancer syndrome. Last evaluated: 2015-01-18. Review status: criteria provided, single submitter. Criteria: Invitae Variant Classification Sherloc (09022015). Collection method: clinical testing. Allele origin: germline. Not counted in ClinVar's aggregate classification.
Comment: While this particular variant has not been reported in the literature, truncating variants in BRCA1 are known to be pathogenic (PMID: 12938098). For these reasons, this variant has been classified as Pathogenic. This sequence change deletes 1 nucleotide from exon 7 of the BRCA1 mRNA (c.490delA), causing a frameshift at codon 164. This creates a premature translational stop signal (p.Thr164Leufs*2) and is expected to result in an absent or disrupted protein product.

Literature cited by the submitters: PubMed 12938098 (cited by Labcorp Genetics (formerly Invitae), Labcorp).

NM_007294.4(BRCA1):c.490del (p.Thr164fs)

Gene: BRCA1 (BRCA1 DNA repair associated; minus strand). Cytogenetic location: 17q21.31.
Variant type: Deletion.
Coding change: c.490del on transcript NM_007294.4 (MANE Select); coding-DNA position 490, one base deleted (A; older notation c.490delA).
Protein change: p.Thr164fs; shifts the reading frame from threonine 164.
Molecular consequence: frameshift variant. On other transcripts: non-coding transcript variant (1).
Genome position (GRCh38, 1-based): chr17:43,099,832, T deleted on the plus strand (A on the coding strand, the reverse complement: BRCA1 is on the minus strand); the first of 2 consecutive T bases (chr17:43,099,832-43,099,833); deleting either gives the same sequence. VCF-style (leftmost placement, unchanged base first): chr17-43099831-GT-G. GRCh37 (hg19) VCF-style: chr17-41251848-GT-G.
Other names: c.490delA (NM_007294.3); c.489delA, p.Thr164Leufs (NM_001408444.1, NM_001408472.1, NM_001408494.1 and 95 more transcripts); c.486delA, p.Thr163Leufs (NM_001408445.1, NM_001408446.1, NM_001408447.1 and 65 more transcripts); c.354delA, p.Thr119Leufs (NM_001408451.1); c.348delA, p.Thr117Leufs (NM_001408452.1, NM_001408453.1, NM_001408454.1 and 60 more transcripts); c.345delA, p.Thr116Leufs (NM_001408462.1, NM_001408463.1, NM_001408464.1 and 35 more transcripts); c.411delA, p.Thr138Leufs (NM_001408474.1, NM_001408476.1, NM_001407653.1 and 12 more transcripts); c.408delA, p.Thr137Leufs (NM_001408475.1, NM_001407659.1, NM_001407660.1 and 6 more transcripts); and 7 more; short protein forms T117fs, T164fs.
Identifiers: ClinVar variation 216107 (VCV000216107.11), dbSNP rs863224512, ClinGen allele CA337000.
Genomic context (GRCh38, chr17:43,099,831, plus strand): 5'-TTACCCAATTCAATGTAGACAGACGTCTTTTGAGGTTGTATCCGCTGCTTTGTCCTCAGA[GT>G]TCTCACAGTTCCAAGGTTAGAGAGTTGGACACTGAGACTGGTTTCCTGCTAAACAGTATG-3'